The following is an entry in ClinVar:

NM_001048174.2(MUTYH):c.1181A>G (p.Gln394Arg)

Gene: MUTYH (mutY DNA glycosylase; minus strand). Cytogenetic location: 1p34.1.
Variant type: single nucleotide variant.
Coding change: c.1181A>G on transcript NM_001048174.2 (MANE Select); coding-DNA position 1181, A replaced by G.
Protein change: p.Gln394Arg; replaces glutamine 394 with arginine.
Molecular consequence: missense variant. On other transcripts: non-coding transcript variant (2).
Genome position (GRCh38, 1-based): chr1:45,331,478, T>C on the plus strand (A>G on the coding strand, the complement: MUTYH is on the minus strand). VCF-style: chr1-45331478-T-C. GRCh37 (hg19) VCF-style: chr1-45797150-T-C.
Other names: c.1181A>G, p.Gln394Arg (NM_001048171.2, NM_001048173.2, NM_001293195.2); c.1184A>G, p.Gln395Arg (NM_001048172.2); c.1265A>G, p.Gln422Arg (NM_001128425.2); c.1226A>G, p.Gln409Arg (NM_001293190.2); c.1214A>G, p.Gln405Arg (NM_001293191.2); c.905A>G, p.Gln302Arg (NM_001293192.2, NM_001293196.2); c.836A>G, p.Gln279Arg (NM_001350650.2, NM_001350651.2); c.1256A>G, p.Gln419Arg (NM_012222.3); short protein forms Q302R, Q395R, Q409R, Q394R, Q405R, Q419R, Q279R, Q422R.
Identifiers: ClinVar variation 849355 (VCV000849355.11), dbSNP rs1644839551, ClinGen allele CA340132933.

ClinVar aggregate classification (germline): Conflicting classifications of pathogenicity. Review status: criteria provided, conflicting classifications (1 of 4 stars). 2 submissions from 2 submitters: Uncertain significance (1); Benign (1). Last evaluated 2025-09-09.

Conditions:
Familial adenomatous polyposis 2. Also called: MYH-associated polyposis; FAP type 2; MUTYH-related attenuated familial adenomatous polyposis; Adenomas, multiple colorectal; ADENOMAS, MULTIPLE COLORECTAL, AUTOSOMAL RECESSIVE; MUTYH Polyposis. Identifiers: Orphanet 220460, Orphanet 247798, MedGen C3272841, MONDO:0012041, OMIM 608456.
Hereditary cancer-predisposing syndrome. Also called: Neoplastic Syndromes, Hereditary; Hereditary neoplastic syndrome; Tumor predisposition; Hereditary Cancer Syndrome. Identifiers: Orphanet 140162, MedGen C0027672, MeSH D009386, MONDO:0015356.

Allele frequency attached by ClinVar (database versions not stated): gnomAD exomes below 0.00001.

Submissions (2):

Ambry Genetics
Classification: Benign for Hereditary cancer-predisposing syndrome. Last evaluated: 2025-09-09. Review status: criteria provided, single submitter. Criteria: Ambry Variant Classification Scheme 2023. Collection method: clinical testing. Allele origin: germline.

Labcorp Genetics (formerly Invitae), Labcorp
Classification: Uncertain significance for Familial adenomatous polyposis 2. Last evaluated: 2025-08-29. Review status: criteria provided, single submitter. Criteria: Invitae Variant Classification Sherloc (09022015). Collection method: clinical testing. Allele origin: germline.
Comment: This sequence change replaces glutamine, which is neutral and polar, with arginine, which is basic and polar, at codon 422 of the MUTYH protein (p.Gln422Arg). This variant is not present in population databases (gnomAD no frequency). This variant has not been reported in the literature in individuals affected with MUTYH-related conditions. ClinVar contains an entry for this variant (Variation ID: 849355). An algorithm developed to predict the effect of missense changes on protein structure and function outputs the following: PolyPhen-2: "Benign". The arginine amino acid residue is found in multiple mammalian species, which suggests that this missense change does not adversely affect protein function. In summary, the available evidence is currently insufficient to determine the role of this variant in disease. Therefore, it has been classified as a Variant of Uncertain Significance.